The following is an entry in ClinVar:

NM_017802.4(DNAAF5):c.996T>C (p.Pro332=)

Gene: DNAAF5 (dynein axonemal assembly factor 5; plus strand). Cytogenetic location: 7p22.3.
Variant type: single nucleotide variant.
Coding change: c.996T>C on transcript NM_017802.4 (MANE Select); coding-DNA position 996, T replaced by C.
Protein change: p.Pro332=; no amino-acid change (proline 332 retained).
Molecular consequence: synonymous variant. On other transcripts: non-coding transcript variant (1).
Genome position (GRCh38, 1-based): chr7:741,437, T>C. VCF-style: chr7-741437-T-C. GRCh37 (hg19) VCF-style: chr7-781074-T-C.
Identifiers: ClinVar variation 1768772 (VCV001768772.6), dbSNP rs746745698, ClinGen allele CA453373807.

ClinVar aggregate classification (germline): Likely benign. Review status: criteria provided, multiple submitters, no conflicts (2 of 4 stars). 4 submissions from 4 submitters: Likely benign (3). 1 of the submissions does not count toward it. Last evaluated 2025-07-29.

Conditions:
Primary ciliary dyskinesia. Also called: Ciliary dyskinesia. Identifiers: Orphanet 244, MedGen C0008780, MONDO:0016575, HP:0012265.
DNAAF5-related disorder. Also called: DNAAF5-related condition.
Primary ciliary dyskinesia 18. Also called: CILIARY DYSKINESIA, PRIMARY, 18, WITH OR WITHOUT SITUS INVERSUS. Identifiers: Orphanet 244, MedGen C3543825, MONDO:0013940, OMIM 614874.

Submissions (4):

ARUP Laboratories, Molecular Genetics and Genomics, ARUP Laboratories
Classification: Likely benign for Primary ciliary dyskinesia 18. Last evaluated: 2025-07-29. Review status: criteria provided, single submitter. Criteria: ARUP Molecular Germline Variant Investigation Process 2024. Collection method: clinical testing. Allele origin: germline.

Blueprint Genetics
Classification: Likely benign. Last evaluated: 2024-11-27. Review status: criteria provided, single submitter. Criteria: ACMG Guidelines, 2015. Collection method: clinical testing. Allele origin: germline.

Ambry Genetics
Classification: Likely benign for Primary ciliary dyskinesia. Last evaluated: 2022-06-01. Review status: criteria provided, single submitter. Criteria: Ambry Variant Classification Scheme 2023. Collection method: clinical testing. Allele origin: germline.

PreventionGenetics, part of Exact Sciences
Classification: Likely benign for DNAAF5-related condition. Last evaluated: 2021-01-14. Review status: no assertion criteria provided. Collection method: clinical testing. Allele origin: germline. Not counted in ClinVar's aggregate classification.
Comment: This variant is classified as likely benign based on ACMG/AMP sequence variant interpretation guidelines (Richards et al. 2015 PMID: 25741868, with internal and published modifications).